The following is an entry in ClinVar:

ClinVar aggregate classification (germline): Uncertain significance. Review status: criteria provided, multiple submitters, no conflicts (2 of 4 stars). 3 submissions from 3 submitters: Uncertain significance (3). Last evaluated 2025-08-04.

Conditions:
Developmental delay with autism spectrum disorder and gait instability (MRT38). Also called: Intellectual developmental disorder, autosomal recessive 38. Identifiers: Orphanet 329195, MedGen C3809753, MONDO:0014224, OMIM 615516.

Allele frequency attached by ClinVar (database versions not stated): gnomAD 0.00064 and 0.00070; gnomAD exomes 0.00146; TOPMed 0.00063; ExAC 0.00086.
gnomAD v4.1: 2,179 of 1,610,674 alleles (0.14%); highest among the groups gnomAD compares: Non-Finnish European, 0.18%; 2 homozygotes.

Submissions (3):

GeneDx
Classification: Uncertain significance. Last evaluated: 2025-08-04. Review status: criteria provided, single submitter. Criteria: GeneDx Variant Classification Process June 2021. Collection method: clinical testing. Allele origin: germline.
Comment: Reported in the published literature in an individual with partial agenesis of the corpus callosum, hypotonia, microcephaly, epilepsy, and autistic behavior who also harbored two other variants in the HERC2 gene, including R3651H (PMID: 31578829); In silico analysis suggests that this missense variant does not alter protein structure/function; This variant is associated with the following publications: (PMID: 31578829)

CENTOGENE GmbH and LLC - Guiding Precision Medicine
Classification: Uncertain significance for Developmental delay with autism spectrum disorder and gait instability. Last evaluated: 2019-08-07. Review status: criteria provided, single submitter. Criteria: ACMG Guidelines, 2015. Collection method: clinical testing. Allele origin: paternal. Affected: yes.

Baylor Genetics
Classification: Uncertain significance for Developmental delay with autism spectrum disorder and gait instability. Last evaluated: 2018-02-02. Review status: criteria provided, single submitter. Criteria: ACMG Guidelines, 2015. Collection method: clinical testing. Allele origin: unknown. Affected: yes.
Comment: This variant was determined to be of uncertain significance according to ACMG Guidelines, 2015 [PMID:25741868].

NM_004667.6(HERC2):c.6385C>T (p.Arg2129Cys)

Gene: HERC2 (HECT and RLD domain containing E3 ubiquitin protein ligase 2; minus strand). Cytogenetic location: 15q13.1.
Variant type: single nucleotide variant.
Coding change: c.6385C>T on transcript NM_004667.6 (MANE Select); coding-DNA position 6385, C replaced by T.
Protein change: p.Arg2129Cys; replaces arginine 2129 with cysteine.
Molecular consequence: missense variant.
Genome position (GRCh38, 1-based): chr15:28,214,246, G>A on the plus strand (C>T on the coding strand, the complement: HERC2 is on the minus strand). VCF-style: chr15-28214246-G-A. GRCh37 (hg19) VCF-style: chr15-28459392-G-A.
Other names: short protein forms R2129C.
Identifiers: ClinVar variation 1032254 (VCV001032254.4), dbSNP rs138059246, ClinGen allele CA7442052.